The following is an entry in ClinVar:

ClinVar aggregate classification (germline): Uncertain significance. Review status: criteria provided, single submitter (1 of 4 stars). 2 submissions from 2 submitters: Uncertain significance (1). 1 of the submissions does not count toward it. Last evaluated 2026-01-06.

Conditions:
Polyglandular autoimmune syndrome, type 1 (APS1). Also called: Autoimmune polyendocrinopathy syndrome , type I, with or without reversible metaphyseal dysplasia; PGA I; AUTOIMMUNE POLYENDOCRINE SYNDROME, TYPE I, WITH OR WITHOUT REVERSIBLE METAPHYSEAL DYSPLASIA; APS I; Autoimmune polyendocrinopathy syndrome, type I; HYPOADRENOCORTICISM WITH HYPOPARATHYROIDISM AND SUPERFICIAL MONILIASIS. Identifiers: Orphanet 3453, MedGen C0085859, MONDO:0009411, OMIM 240300.

Allele frequency attached by ClinVar (database versions not stated): ExAC 0.00001; gnomAD exomes 0.00003; TOPMed 0.00003; gnomAD 0.00004; ESP Exome Variant Server 0.00008.
gnomAD v4.1: 56 of 1,612,666 alleles (0.0035%); highest among the groups gnomAD compares: South Asian, 0.0077%; no homozygotes.

Submissions (2):

Labcorp Genetics (formerly Invitae), Labcorp
Classification: Uncertain significance for Polyglandular autoimmune syndrome, type 1. Last evaluated: 2026-01-06. Review status: criteria provided, single submitter. Criteria: Invitae Variant Classification Sherloc (09022015). Collection method: clinical testing. Allele origin: germline.
Comment: This sequence change replaces valine, which is neutral and non-polar, with isoleucine, which is neutral and non-polar, at codon 118 of the AIRE protein (p.Val118Ile). This variant is present in population databases (rs370599883, gnomAD 0.006%). This variant has not been reported in the literature in individuals affected with AIRE-related conditions. ClinVar contains an entry for this variant (Variation ID: 644640). Invitae Evidence Modeling of protein sequence and biophysical properties (such as structural, functional, and spatial information, amino acid conservation, physicochemical variation, residue mobility, and thermodynamic stability) indicates that this missense variant is not expected to disrupt AIRE protein function with a negative predictive value of 95%. In summary, the available evidence is currently insufficient to determine the role of this variant in disease. Therefore, it has been classified as a Variant of Uncertain Significance.

Natera, Inc.
Classification: Uncertain significance for Polyglandular autoimmune syndrome type 1. Last evaluated: 2020-02-21. Review status: no assertion criteria provided. Collection method: clinical testing. Allele origin: germline. Not counted in ClinVar's aggregate classification.

NM_000383.4(AIRE):c.352G>A (p.Val118Ile)

Gene: AIRE (autoimmune regulator; plus strand). Cytogenetic location: 21q22.3.
Variant type: single nucleotide variant.
Coding change: c.352G>A on transcript NM_000383.4 (MANE Select); coding-DNA position 352, G replaced by A.
Protein change: p.Val118Ile; replaces valine 118 with isoleucine.
Molecular consequence: missense variant.
Genome position (GRCh38, 1-based): chr21:44,287,022, G>A. VCF-style: chr21-44287022-G-A. GRCh37 (hg19) VCF-style: chr21-45706905-G-A.
Other names: short protein forms V118I.
Identifiers: ClinVar variation 644640 (VCV000644640.9), dbSNP rs370599883, ClinGen allele CA10051540.